The following is an entry in ClinVar:

NM_000179.3(MSH6):c.4001+10T>A

Gene: MSH6 (mutS homolog 6; plus strand). Cytogenetic location: 2p16.3.
Variant type: single nucleotide variant.
Coding change: c.4001+10T>A on transcript NM_000179.3 (MANE Select); 10 bases into the intron after coding-DNA position 4001, T replaced by A.
Molecular consequence: intron variant.
Genome position (GRCh38, 1-based): chr2:47,806,661, T>A. VCF-style: chr2-47806661-T-A. GRCh37 (hg19) VCF-style: chr2-48033800-T-A.
Other names: c.3095+10T>A (NM_001281493.2, NM_001281494.2); c.3611+10T>A (NM_001281492.2).
Identifiers: ClinVar variation 1954978 (VCV001954978.6), dbSNP rs2104569225, ClinGen allele CA1139771859.

ClinVar aggregate classification (germline): Likely benign. Review status: criteria provided, multiple submitters, no conflicts (2 of 4 stars). 2 submissions from 2 submitters: Likely benign (2). Last evaluated 2025-08-25.

Conditions:
Lynch syndrome 5 (LYNCH5). Also called: Hereditary non-polyposis colorectal cancer, type 5; Colorectal cancer, hereditary nonpolyposis, type 5. Identifiers: Orphanet 144, MedGen C1833477, MONDO:0013710, OMIM 614350. Disease mechanism: loss of function.
Hereditary nonpolyposis colorectal neoplasms. Identifiers: MedGen C0009405, MeSH D003123.

Submissions (2):

Labcorp Genetics (formerly Invitae), Labcorp
Classification: Likely benign for Hereditary nonpolyposis colorectal neoplasms. Last evaluated: 2025-08-25. Review status: criteria provided, single submitter. Criteria: Invitae Variant Classification Sherloc (09022015). Collection method: clinical testing. Allele origin: germline.

Myriad Genetics, Inc.
Classification: Likely benign for Lynch syndrome 5. Last evaluated: 2025-01-09. Review status: criteria provided, single submitter. Criteria: Myriad Autosomal Dominant, Autosomal Recessive and X-Linked Classification Criteria (2023). Collection method: clinical testing. Allele origin: unknown.
Comment: This variant is considered likely benign. This variant is intronic and is not expected to impact mRNA splicing.